The following is an entry in ClinVar:

ClinVar aggregate classification (germline): Likely benign (1 of 4 stars; one submission).

Conditions:
Long QT syndrome (LQTS). Identifiers: MedGen C0023976, MeSH D008133, MONDO:0002442. Disease mechanism: loss of function. Inheritance: Various modes of inheritance.

Submission:

All of Us Research Program, National Institutes of Health
Classification: Likely benign for Long QT syndrome. Last evaluated: 2024-05-30. Review status: criteria provided, single submitter. Criteria: ACMG Guidelines, 2015. Collection method: clinical testing. Allele origin: germline. Inheritance: Autosomal dominant inheritance. Observed: 1 variant allele, 1 heterozygote.
Comment: This study involves interpretation of variants in research participants for the purpose of population health screening. Participant phenotype was not available at the time of variant classification. Additional details can be found in publication PMID: 35346344, PMCID: PMC8962531

NM_000238.4(KCNH2):c.2283A>C (p.Thr761=)

Gene: KCNH2 (potassium voltage-gated channel subfamily H member 2; minus strand). Cytogenetic location: 7q36.1.
Variant type: single nucleotide variant.
Coding change: c.2283A>C on transcript NM_000238.4 (MANE Select); coding-DNA position 2283, A replaced by C.
Protein change: p.Thr761=; no amino-acid change (threonine 761 retained).
Molecular consequence: synonymous variant. On other transcripts: non-coding transcript variant (2).
Genome position (GRCh38, 1-based): chr7:150,950,283, T>G on the plus strand (A>C on the coding strand, the complement: KCNH2 is on the minus strand). VCF-style: chr7-150950283-T-G. GRCh37 (hg19) VCF-style: chr7-150647371-T-G.
Other names: c.1263A>C, p.Thr421= (NM_001204798.2, NM_172057.3); c.1995A>C, p.Thr665= (NM_001406753.1, NM_001406756.1); c.2106A>C, p.Thr702= (NM_001406755.1); c.1983A>C, p.Thr661= (NM_001406757.1); c.2283A>C, p.Thr761= (NM_172056.3).
Identifiers: ClinVar variation 3386895 (VCV003386895.1).